The following is an entry in ClinVar:

ClinVar aggregate classification (germline): Uncertain significance. Review status: criteria provided, multiple submitters, no conflicts (2 of 4 stars). 4 submissions from 4 submitters: Uncertain significance (3). 1 of the submissions does not count toward it. Last evaluated 2022-08-23.

Conditions:
Inborn genetic diseases. Identifiers: MedGen C0950123, MeSH D030342.
Multiple acyl-CoA dehydrogenase deficiency (MADD). Also called: ETHYLMALONIC-ADIPICACIDURIA; GA II; Glutaric aciduria, type 2; Glutaric acidemia type II; GA 2; Glutaric Acidemia type 2. Identifiers: Orphanet 26791, MedGen C0268596, MONDO:0009282, OMIM 231680.

Allele frequency attached by ClinVar (database versions not stated): gnomAD exomes 0.00001 and 0.00005; gnomAD 0.00002 and 0.00003; ExAC 0.00003; TOPMed 0.00006.
gnomAD v4.1: 33 of 1,613,280 alleles (0.002%); highest among the groups gnomAD compares: East Asian, 0.031%; no homozygotes.

Submissions (4):

Labcorp Genetics (formerly Invitae), Labcorp
Classification: Uncertain significance for Multiple acyl-CoA dehydrogenase deficiency. Last evaluated: 2022-08-23. Review status: criteria provided, single submitter. Criteria: Invitae Variant Classification Sherloc (09022015). Collection method: clinical testing. Allele origin: germline.
Comment: This sequence change replaces glycine, which is neutral and non-polar, with aspartic acid, which is acidic and polar, at codon 72 of the ETFA protein (p.Gly72Asp). This variant is present in population databases (rs758004001, gnomAD 0.05%). This variant has not been reported in the literature in individuals affected with ETFA-related conditions. ClinVar contains an entry for this variant (Variation ID: 203690). Algorithms developed to predict the effect of missense changes on protein structure and function are either unavailable or do not agree on the potential impact of this missense change (SIFT: "Tolerated"; PolyPhen-2: "Probably Damaging"; Align-GVGD: "Class C0"). In summary, the available evidence is currently insufficient to determine the role of this variant in disease. Therefore, it has been classified as a Variant of Uncertain Significance.

Ambry Genetics
Classification: Uncertain significance for Inborn genetic diseases. Last evaluated: 2022-01-26. Review status: criteria provided, single submitter. Criteria: Ambry Variant Classification Scheme 2023. Collection method: clinical testing. Allele origin: germline.

GeneDx
Classification: Uncertain significance. Last evaluated: 2013-09-20. Review status: criteria provided, single submitter. Criteria: GeneDx Variant Classification (06012015). Collection method: clinical testing. Allele origin: germline. Affected: yes.
Comment: p.Gly72Asp (GGC>GAC): c.215 G>A in exon 3 of the ETFA gene (NM_000126.3) A variant of unknown significance has been identified in the ETFA gene. The G72D missense substitution has not been published as a mutation, nor has it been reported as a benign polymorphism to our knowledge. The amino acid change is non-conservative in that a small, uncharged Glycine residue is replaced by a large, negatively charged Aspartic Acid residue. This change occurs at a highly conserved position in the ETFA protein. In-silico analyses predict that G72D is possibly damaging to the ETFA protein. Therefore, based on the currently available information, it is unclear whether G72D is a disease-causing mutation or a rare benign variant. The variant is found in MITONUC-MITOP,FAO-MET panel(s).

Natera, Inc.
Classification: Uncertain significance for Glutaric aciduria type 2. Last evaluated: 2020-09-16. Review status: no assertion criteria provided. Collection method: clinical testing. Allele origin: germline. Not counted in ClinVar's aggregate classification.

NM_000126.4(ETFA):c.215G>A (p.Gly72Asp)

Gene: ETFA (electron transfer flavoprotein subunit alpha; minus strand). Cytogenetic location: 15q24.2.
Variant type: single nucleotide variant.
Coding change: c.215G>A on transcript NM_000126.4 (MANE Select); coding-DNA position 215, G replaced by A.
Protein change: p.Gly72Asp; replaces glycine 72 with aspartic acid.
Molecular consequence: missense variant.
Genome position (GRCh38, 1-based): chr15:76,292,672, C>T on the plus strand (G>A on the coding strand, the complement: ETFA is on the minus strand). VCF-style: chr15-76292672-C-T. GRCh37 (hg19) VCF-style: chr15-76585013-C-T.
Other names: p.G72D:GGC>GAC; c.68G>A, p.Gly23Asp (NM_001127716.2); short protein forms G72D, G23D.
Identifiers: ClinVar variation 203690 (VCV000203690.7), dbSNP rs758004001, ClinGen allele CA312483.